The following is an entry in ClinVar:

NM_000551.4(VHL):c.329dup (p.His110fs)

Gene: VHL (von Hippel-Lindau tumor suppressor; plus strand). Cytogenetic location: 3p25.3.
Variant type: Duplication.
Coding change: c.329dup on transcript NM_000551.4 (MANE Select); coding-DNA position 329, one base duplicated (A; older notation c.329dupA).
Protein change: p.His110fs; shifts the reading frame from histidine 110.
Molecular consequence: frameshift variant.
Genome position (GRCh38, 1-based): chr3:10,142,176, A duplicated. VCF-style (leftmost placement, unchanged base first): chr3-10142175-C-CA. GRCh37 (hg19) VCF-style: chr3-10183859-C-CA.
Other names: c.329dup, p.His110fs (NM_001354723.2, NM_198156.3); short protein forms H110fs.
Identifiers: ClinVar variation 1999272 (VCV001999272.4), dbSNP rs2470158744, ClinGen allele CA432420637.

ClinVar aggregate classification (germline): Pathogenic (1 of 4 stars; one submission).

Conditions:
Chuvash polycythemia. Also called: POLYCYTHEMIA, VHL-DEPENDENT. Identifiers: Orphanet 238557, MedGen C1837915, MONDO:0009892, OMIM 263400.
Von Hippel-Lindau syndrome (VHLS). Also called: Von Hippel-Lindau; von Hippel–Lindau syndrome; VHL syndrome. Identifiers: Orphanet 892, MedGen C0019562, MONDO:0008667, OMIM 193300. Disease mechanism: loss of function.

Submission:

Labcorp Genetics (formerly Invitae), Labcorp
Classification: Pathogenic for Von Hippel-Lindau syndrome; Chuvash polycythemia. Last evaluated: 2022-05-27. Review status: criteria provided, single submitter. Criteria: Invitae Variant Classification Sherloc (09022015). Collection method: clinical testing. Allele origin: germline.
Comment: This sequence change creates a premature translational stop signal (p.His110Glnfs*22) in the VHL gene. It is expected to result in an absent or disrupted protein product. Loss-of-function variants in VHL are known to be pathogenic (PMID: 8956040, 12202531, 29891534, 31350093). This variant is not present in population databases (gnomAD no frequency). This variant has not been reported in the literature in individuals affected with VHL-related conditions. For these reasons, this variant has been classified as Pathogenic.

Literature cited by the submitters: PubMed 8956040; PubMed 12202531; PubMed 29891534; PubMed 31350093.